The following is an entry in ClinVar:

NM_014264.5(PLK4):c.314T>G (p.Val105Gly)

Gene: PLK4 (polo like kinase 4; plus strand). Cytogenetic location: 4q28.1.
Variant type: single nucleotide variant.
Coding change: c.314T>G on transcript NM_014264.5 (MANE Select); coding-DNA position 314, T replaced by G.
Protein change: p.Val105Gly; replaces valine 105 with glycine.
Molecular consequence: missense variant.
Genome position (GRCh38, 1-based): chr4:127,883,530, T>G. VCF-style: chr4-127883530-T-G. GRCh37 (hg19) VCF-style: chr4-128804685-T-G.
Other names: c.218T>G, p.Val73Gly (NM_001190799.2); c.191T>G, p.Val64Gly (NM_001190801.2); short protein forms V105G, V64G, V73G.
Identifiers: ClinVar variation 1958766 (VCV001958766.5), dbSNP rs2546009438, ClinGen allele CA358167732.

ClinVar aggregate classification (germline): Uncertain significance (1 of 4 stars; one submission).

gnomAD v4.1: 4 of 1,508,542 alleles (0.00027%); highest among the groups gnomAD compares: Non-Finnish European, 0.00037%; no homozygotes.

Submission:

Labcorp Genetics (formerly Invitae), Labcorp
Classification: Uncertain significance. Last evaluated: 2022-04-11. Review status: criteria provided, single submitter. Criteria: Invitae Variant Classification Sherloc (09022015). Collection method: clinical testing. Allele origin: germline.
Comment: Algorithms developed to predict the effect of missense changes on protein structure and function (SIFT, PolyPhen-2, Align-GVGD) all suggest that this variant is likely to be tolerated. This sequence change replaces valine, which is neutral and non-polar, with glycine, which is neutral and non-polar, at codon 105 of the PLK4 protein (p.Val105Gly). This variant is not present in population databases (gnomAD no frequency). This variant has not been reported in the literature in individuals affected with PLK4-related conditions. In summary, the available evidence is currently insufficient to determine the role of this variant in disease. Therefore, it has been classified as a Variant of Uncertain Significance.